The following is an entry in ClinVar:

ClinVar aggregate classification (germline): Uncertain significance. Review status: criteria provided, multiple submitters, no conflicts (2 of 4 stars). 3 submissions from 3 submitters: Uncertain significance (3). Last evaluated 2025-06-13.

Conditions:
Emery-Dreifuss muscular dystrophy 4, autosomal dominant (EDMD4). Also called: EMERY-DREIFUSS MUSCULAR DYSTROPHY 4 WITH VARIABLE FEATURES. Identifiers: Orphanet 261, MedGen C2751807, MONDO:0013071, OMIM 612998.
Autosomal recessive ataxia, Beauce type. Also called: SYNE1 Deficiency; Spinocerebellar ataxia, autosomal recessive 8; ATAXIA, RECESSIVE, OF BEAUCE; SYNE1-Related Autosomal Recessive Cerebellar Ataxia. Identifiers: Orphanet 88644, MedGen C1853116, MONDO:0012549, OMIM 610743.

Allele frequency attached by ClinVar (database versions not stated): ExAC 0.00001; gnomAD 0.00003; TOPMed 0.00003; 1000 Genomes Project 30x 0.00016; 1000 Genomes Project 0.00020.
gnomAD v4.1: 14 of 1,613,836 alleles (0.00087%); highest among the groups gnomAD compares: African/African-American, 0.017%; no homozygotes.

Submissions (3):

Women's Health and Genetics/Laboratory Corporation of America, LabCorp
Classification: Uncertain significance. Last evaluated: 2025-06-13. Review status: criteria provided, single submitter. Criteria: LabCorp Variant Classification Summary - May 2015. Collection method: clinical testing. Allele origin: germline.
Comment: Variant summary: SYNE1 c.6370G>A (p.Asp2124Asn) results in a conservative amino acid change in the encoded protein sequence. Algorithms developed to predict the effect of missense changes on protein structure and function are either unavailable or do not agree on the potential impact of this missense change. The variant allele was found at a frequency of 8e-06 in 251096 control chromosomes. The available data on variant occurrences in the general population are insufficient to allow any conclusion about variant significance. To our knowledge, no occurrence of c.6370G>A in individuals affected with Autosomal recessive ataxia, Beauce type and no experimental evidence demonstrating its impact on protein function have been reported. ClinVar contains an entry for this variant (Variation ID: 2077348). Based on the evidence outlined above, the variant was classified as uncertain significance.

Revvity Omics, Revvity
Classification: Uncertain significance. Last evaluated: 2022-11-04. Review status: criteria provided, single submitter. Criteria: ACMG Guidelines, 2015. Collection method: clinical testing. Allele origin: germline.

Labcorp Genetics (formerly Invitae), Labcorp
Classification: Uncertain significance for Emery-Dreifuss muscular dystrophy 4, autosomal dominant; Autosomal recessive ataxia, Beauce type. Last evaluated: 2022-03-19. Review status: criteria provided, single submitter. Criteria: Invitae Variant Classification Sherloc (09022015). Collection method: clinical testing. Allele origin: germline.
Comment: In summary, the available evidence is currently insufficient to determine the role of this variant in disease. Therefore, it has been classified as a Variant of Uncertain Significance. Algorithms developed to predict the effect of missense changes on protein structure and function are either unavailable or do not agree on the potential impact of this missense change (SIFT: "Deleterious"; PolyPhen-2: "Benign"; Align-GVGD: "Class C15"). This variant has not been reported in the literature in individuals affected with SYNE1-related conditions. This variant is not present in population databases (gnomAD no frequency). This sequence change replaces aspartic acid, which is acidic and polar, with asparagine, which is neutral and polar, at codon 2124 of the SYNE1 protein (p.Asp2124Asn).

NM_182961.4(SYNE1):c.6349G>A (p.Asp2117Asn)

Gene: SYNE1 (spectrin repeat containing nuclear envelope protein 1; minus strand). Cytogenetic location: 6q25.2.
Variant type: single nucleotide variant.
Coding change: c.6349G>A on transcript NM_182961.4 (MANE Select); coding-DNA position 6349, G replaced by A.
Protein change: p.Asp2117Asn; replaces aspartic acid 2117 with asparagine.
Molecular consequence: missense variant.
Genome position (GRCh38, 1-based): chr6:152,409,591, C>T on the plus strand (G>A on the coding strand, the complement: SYNE1 is on the minus strand). VCF-style: chr6-152409591-C-T. GRCh37 (hg19) VCF-style: chr6-152730726-C-T.
Other names: c.6370G>A, p.Asp2124Asn (NM_033071.5); short protein forms D2117N, D2124N.
Identifiers: ClinVar variation 2077348 (VCV002077348.6), dbSNP rs200640405, ClinGen allele CA4058105.